The following is an entry in ClinVar:

ClinVar aggregate classification (germline): Pathogenic. Review status: criteria provided, multiple submitters, no conflicts (2 of 4 stars). 7 submissions from 7 submitters: Pathogenic (6). 1 of the submissions does not count toward it. Last evaluated 2025-09-17.

Conditions:
Polycystic kidney disease, adult type (PKD1). Also called: Polycystic Kidney, Autosomal Dominant; Polycystic Kidney Disease 1, Autosomal Dominant; Polycystic kidney disease 1; Polycystic kidney disease 1, severe; POLYCYSTIC KIDNEY DISEASE 1 WITH OR WITHOUT POLYCYSTIC LIVER DISEASE; POLYCYSTIC KIDNEY DISEASE, ADULT, TYPE I. Identifiers: MedGen C3149841, MONDO:0008263, OMIM 173900.
Polycystic kidney disease. Also called: Polycystic kidney dysplasia; Kidney, Polycystic. Identifiers: MedGen C0022680, MeSH D007690, MONDO:0020642, HP:0000113.

Submissions (7):

GeneDx
Classification: Pathogenic. Last evaluated: 2025-09-17. Review status: criteria provided, single submitter. Criteria: GeneDx Variant Classification Process June 2021. Collection method: clinical testing. Allele origin: germline. Affected: yes.
Comment: Frameshift variant predicted to result in protein truncation or nonsense mediated decay in a gene for which loss of function is a known mechanism of disease; Not observed at significant frequency in large population cohorts (gnomAD); This variant is associated with the following publications: (PMID: 31740684, 22508176, 17582161, 36843311, 37909612, 27499327, 35325889, 38527221)

Department of Human Genetics, Hannover Medical School
Classification: Pathogenic for Polycystic kidney disease, adult type. Last evaluated: 2025-07-28. Review status: criteria provided, single submitter. Criteria: ACMG Guidelines, 2015. Collection method: clinical testing. Allele origin: germline. Affected: yes.
Comment: PVS1, PM2_Supporting, PP4_Strong

Fulgent Genetics
Classification: Pathogenic for Polycystic kidney disease, adult type. Last evaluated: 2024-04-11. Review status: criteria provided, single submitter. Criteria: ACMG Guidelines, 2015. Collection method: clinical testing. Allele origin: germline.

Victorian Clinical Genetics Services, Murdoch Childrens Research Institute
Classification: Pathogenic for Polycystic kidney disease, adult type. Last evaluated: 2020-05-26. Review status: criteria provided, single submitter. Criteria: ACMG Guidelines, 2015. Collection method: clinical testing. Allele origin: germline. Inheritance: Autosomal dominant inheritance.
Comment: Based on the classification scheme VCGS_Germline_v1.1.1, this variant is classified as 5-Pathogenic. Following criteria are met: 0102 - Loss-of-function is a known mechanism of disease for this gene. (N) 0107 - This gene is known to be associated with autosomal dominant polycystic kidney disease, predominantly caused by monoallelic variants, with rare reports of bi-allelic variants causing disease. (N) 0201 - Variant is located in exon 1 of 46 and is predicted to cause nonsense-mediated decay (NMD) and loss of protein. (P) 0251 - Variant is heterozygous. (N) 0301 - Variant is absent from gnomAD. (P) 0701 - Comparable variants have very strong previous evidence for pathogenicity. Many pathogenic NMD-predicted variants in this gene have been reported in ClinVar and ADPKD Mutation Database. (P) 0801 - Strong previous evidence of pathogenicity in unrelated individuals. This variant has been previously reported in individuals with ADPKD (PMID: 27499327; PMID: 31740684) and has been reported as pathogenic in the ADPKD Mutation Database. (P) 0905 - No segregation evidence has been identified for this variant. (N) 1007 - No published functional evidence has been identified for this variant. (N) 1208 - Inheritance information for this variant is not currently available. (N) Legend: (P) - Pathogenic, (N) - Neutral, (B) - Benign

Athena Diagnostics
Classification: Pathogenic. Last evaluated: 2017-06-13. Review status: criteria provided, single submitter. Criteria: Athena Diagnostics Criteria. Collection method: clinical testing. Allele origin: germline.

Juno Genomics, Hangzhou Juno Genomics, Inc
Classification: Pathogenic for Polycystic kidney disease, adult type. Review status: criteria provided, single submitter. Criteria: ACMG Guidelines, 2015. Collection method: clinical testing. Allele origin: germline. Affected: yes.
Comment: Absent from controls (or at extremely low frequency if recessive) in Genome Aggregation Database, Exome Sequencing Project, 1000 Genomes Project, or Exome Aggregation Consortium.;Null variant in a gene where loss of function (LOF) is a known mechanism of disease.;The prevalence of the variant in affected individuals is significantly increased compared to the prevalence in controls.;Patient's phenotype or family history is highly specific for a disease with a single genetic etiology.

Department of Pathology and Laboratory Medicine, Sinai Health System
Classification: Pathogenic for Polycystic Kidney disease. Review status: no assertion criteria provided. Collection method: clinical testing. Allele origin: unknown. Affected: yes. Study: The Canadian Open Genetics Repository (COGR). Not counted in ClinVar's aggregate classification.
Comment: The PKD1 p.Leu56ArgfsX15 variant was identified in 3 of 1760 proband chromosomes (frequency: 0.002) from individuals or families with ADPKD (Rossetti 2007, Carrera 2016, Hwang 2016). The variant was also identified in ClinVar (1x as pathogenic by Athena Diagnostics Inc.) and ADPKD Mutation Database (as definitely pathogenic). The variant was not identified in the following databases: dbSNP, LOVD 3.0 and PKD1-LOVD, the 1000 Genomes Project, the NHLBI GO Exome Sequencing Project, the Exome Aggregation Consortium (August 8th 2016), or the Genome Aggregation Database (Feb 27, 2017). The c.165_171del variant is predicted to cause a frameshift, which alters the protein amino acid sequence beginning at codon 56 and leads to a premature stop codon 15 codons downstream. This alteration is then predicted to result in a truncated or absent protein and loss of function. Loss of function variants of the PKD1 gene are an established mechanism of disease in ADPKD and is the type of variant expected to cause the disorder. In summary, based on the above information this variant meets our laboratoryâ€šÃ„Ã´s criteria to be classified as pathogenic.

Literature cited by the submitters: PubMed 27499327 (cited by Victorian Clinical Genetics Services, Murdoch Childrens Research Institute and Athena Diagnostics); PubMed 31740684 (cited by Victorian Clinical Genetics Services, Murdoch Childrens Research Institute); PubMed 17582161 (cited by Athena Diagnostics); PubMed 22508176 (cited by Athena Diagnostics).

NM_001009944.3(PKD1):c.165_171del (p.Leu56fs)

Gene: PKD1 (polycystin 1, transient receptor potential channel interacting; minus strand). Cytogenetic location: 16p13.3.
Variant type: Deletion.
Coding change: c.165_171del on transcript NM_001009944.3 (MANE Select); coding-DNA positions 165 to 171, 7 bases deleted (GCTGCGG; older notation c.165_171delGCTGCGG).
Protein change: p.Leu56fs; shifts the reading frame from leucine 56.
Molecular consequence: frameshift variant.
Genome position (GRCh38, 1-based): chr16:2,135,519-2,135,525, CCGCAGC deleted on the plus strand (GCTGCGG on the coding strand, the reverse complement: PKD1 is on the minus strand); deleting any 7 consecutive bases within chr16:2,135,519-2,135,529 gives the same sequence; the c. name uses the placement nearest the transcript's 3' end. VCF-style (leftmost placement, unchanged base first): chr16-2135518-TCCGCAGC-T. GRCh37 (hg19) VCF-style: chr16-2185519-TCCGCAGC-T.
Other names: c.165_171del, p.Leu56fs (NM_000296.4); c.165_171delGCTGCGG (NM_001009944.2); short protein forms L56fs.
Identifiers: ClinVar variation 447976 (VCV000447976.11), dbSNP rs1555462438, ClinGen allele CA658658361.
Genomic context (GRCh38, chr16:2,135,518, plus strand): 5'-CTGGGCCCGCTACTCACAGCGCTGTGGCGTCCGCGGGGATGCGCAGCGCGGGACCGAGCG[TCCGCAGC>T]CCGCGGCCCGAGCAGTTGACGCGGCAGGCGGCGCCGGGCGCTGGGCCGCAGAGGCAGGGG-3'